The following is an entry in ClinVar:

ClinVar aggregate classification (germline): Benign/Likely benign. Review status: criteria provided, multiple submitters, no conflicts (2 of 4 stars). 17 submissions from 11 submitters: Benign (14); Likely benign (3). Last evaluated 2026-09-01.

Conditions:
Geleophysic dysplasia. Identifiers: Orphanet 2623, MedGen C3489726, MONDO:0000127.
Weill-Marchesani syndrome. Also called: WM Syndrome; Mesodermal dysmorphodystrophy congenital. Identifiers: Orphanet 3449, MedGen C0265313, MONDO:0018096.
Marfan syndrome (MFS). Also called: MARFAN SYNDROME, TYPE I; FBN1-Related Marfan Syndrome; Marfan syndrome type 1; Marfan's syndrome; Marfan syndrome, classic. Identifiers: Orphanet 284963, Orphanet 558, MedGen C0024796, MONDO:0007947, OMIM 154700.
Familial thoracic aortic aneurysm and aortic dissection (TAAD). Also called: Thoracic aortic aneurysms and dissections. Identifiers: Orphanet 91387, MedGen C4707243, MONDO:0019625.
Ectopia lentis 1, isolated, autosomal dominant (ECTOL1). Identifiers: Orphanet 1885, MedGen C3541518, MONDO:0007514, OMIM 129600.
Stiff skin syndrome (SSKS). Identifiers: Orphanet 2833, MedGen C1861456, MONDO:0008492, OMIM 184900.
Acromicric dysplasia (ACMICD). Also called: Acromicric skeletal dysplasia. Identifiers: Orphanet 969, MedGen C0265287, MONDO:0007055, OMIM 102370.

Allele frequency attached by ClinVar (database versions not stated): ESP Exome Variant Server 0.00038; gnomAD 0.00044; 1000 Genomes Project 30x 0.00078; 1000 Genomes Project 0.00080; gnomAD exomes 0.00093 and 0.00206; TOPMed 0.00093; ExAC 0.00189.
gnomAD v4.1: 1,389 of 1,614,078 alleles (0.086%); highest among the groups gnomAD compares: Admixed American, 0.82%; 6 homozygotes.

Submissions (17):

CeGaT Center for Human Genetics Tuebingen
Classification: Likely benign. Last evaluated: 2026-09-01. Review status: criteria provided, single submitter. Criteria: CeGaT Center For Human Genetics Tuebingen Variant Classification Criteria Version 2. Collection method: clinical testing. Allele origin: germline. Affected: yes. Observed: 25 variant alleles.
Comment: FBN1: BP4, BP7, BS1

Labcorp Genetics (formerly Invitae), Labcorp
Classification: Benign for Marfan syndrome; Familial thoracic aortic aneurysm and aortic dissection. Last evaluated: 2026-02-04. Review status: criteria provided, single submitter. Criteria: Invitae Variant Classification Sherloc (09022015). Collection method: clinical testing. Allele origin: germline.

ARUP Laboratories, Molecular Genetics and Genomics, ARUP Laboratories
Classification: Benign. Last evaluated: 2024-12-09. Review status: criteria provided, single submitter. Criteria: ARUP Molecular Germline Variant Investigation Process 2024. Collection method: clinical testing. Allele origin: germline.

Blueprint Genetics
Classification: Likely benign. Last evaluated: 2024-10-28. Review status: criteria provided, single submitter. Criteria: ACMG Guidelines, 2015. Collection method: clinical testing. Allele origin: germline.

CHEO Genetics Diagnostic Laboratory, Children's Hospital of Eastern Ontario
Classification: Benign for Familial thoracic aortic aneurysm and aortic dissection. Last evaluated: 2018-10-23. Review status: criteria provided, single submitter. Criteria: ACMG Guidelines, 2015. Collection method: clinical testing. Allele origin: germline.

Color Diagnostics, LLC DBA Color Health
Classification: Benign for Familial thoracic aortic aneurysm and aortic dissection. Last evaluated: 2018-03-08. Review status: criteria provided, single submitter. Criteria: ACMG Guidelines, 2015. Collection method: clinical testing. Allele origin: germline.

Illumina Laboratory Services, Illumina
Classification: Benign for Weill-Marchesani syndrome. Last evaluated: 2018-01-12. Review status: criteria provided, single submitter. Criteria: ICSL Variant Classification Criteria 13 December 2019. Collection method: clinical testing. Allele origin: germline.
Comment: This variant was observed in the ICSL laboratory as part of a predisposition screen in an ostensibly healthy population. It had not been previously curated by ICSL or reported in the Human Gene Mutation Database (HGMD: prior to June 1st, 2018), and was therefore a candidate for classification through an automated scoring system. Utilizing variant allele frequency, disease prevalence and penetrance estimates, and inheritance mode, an automated score was calculated to assess if this variant is too frequent to cause the disease. Based on the score and internal cut-off values, a variant classified as benign is not then subjected to further curation. The score for this variant resulted in a classification of benign for this disease.

Illumina Laboratory Services, Illumina
Classification: Benign for Acromicric dysplasia. Last evaluated: 2018-01-12. Review status: criteria provided, single submitter. Criteria: ICSL Variant Classification Criteria 13 December 2019. Collection method: clinical testing. Allele origin: germline.
Comment: the same text as in the submission from Illumina Laboratory Services, Illumina above.

Illumina Laboratory Services, Illumina
Classification: Benign for Geleophysic dysplasia. Last evaluated: 2018-01-12. Review status: criteria provided, single submitter. Criteria: ICSL Variant Classification Criteria 13 December 2019. Collection method: clinical testing. Allele origin: germline.
Comment: the same text as in the submission from Illumina Laboratory Services, Illumina above.

Illumina Laboratory Services, Illumina
Classification: Likely benign for Familial thoracic aortic aneurysm and aortic dissection. Last evaluated: 2018-01-12. Review status: criteria provided, single submitter. Criteria: ICSL Variant Classification Criteria 13 December 2019. Collection method: clinical testing. Allele origin: germline.
Comment: This variant was observed in the ICSL laboratory as part of a predisposition screen in an ostensibly healthy population. It had not been previously curated by ICSL or reported in the Human Gene Mutation Database (HGMD: prior to June 1st, 2018), and was therefore a candidate for classification through an automated scoring system. Utilizing variant allele frequency, disease prevalence and penetrance estimates, and inheritance mode, an automated score was calculated to assess if this variant is too frequent to cause the disease. Based on the score and internal cut-off values, a variant classified as likely benign is not then subjected to further curation. The score for this variant resulted in a classification of likely benign for this disease.

Illumina Laboratory Services, Illumina
Classification: Benign for Ectopia lentis 1, isolated, autosomal dominant. Last evaluated: 2018-01-12. Review status: criteria provided, single submitter. Criteria: ICSL Variant Classification Criteria 13 December 2019. Collection method: clinical testing. Allele origin: germline.
Comment: the same text as in the submission from Illumina Laboratory Services, Illumina above.

Illumina Laboratory Services, Illumina
Classification: Benign for Stiff skin syndrome. Last evaluated: 2018-01-12. Review status: criteria provided, single submitter. Criteria: ICSL Variant Classification Criteria 13 December 2019. Collection method: clinical testing. Allele origin: germline.
Comment: the same text as in the submission from Illumina Laboratory Services, Illumina above.

Illumina Laboratory Services, Illumina
Classification: Benign for Marfan syndrome. Last evaluated: 2018-01-12. Review status: criteria provided, single submitter. Criteria: ICSL Variant Classification Criteria 13 December 2019. Collection method: clinical testing. Allele origin: germline.
Comment: the same text as in the submission from Illumina Laboratory Services, Illumina above.

Mayo Clinic Laboratories, Mayo Clinic
Classification: Benign. Last evaluated: 2017-03-18. Review status: criteria provided, single submitter. Criteria: ACMG Guidelines, 2015. Collection method: clinical testing. Allele origin: germline. Observed: 2 variant alleles.

Ambry Genetics
Classification: Benign for Familial thoracic aortic aneurysm and aortic dissection. Last evaluated: 2015-10-03. Review status: criteria provided, single submitter. Criteria: Ambry Variant Classification Scheme 2023. Collection method: clinical testing. Allele origin: germline.

Laboratory for Molecular Medicine, Mass General Brigham Personalized Medicine
Classification: Benign. Last evaluated: 2015-03-09. Review status: criteria provided, single submitter. Criteria: LMM Criteria. Collection method: clinical testing. Allele origin: germline. Observed: 1 variant allele.
Comment: p.Asp2366Asp in Exon 57 of FBN1: This variant is not expected to have clinical s ignificance because it does not alter an amino acid residue and is not located w ithin the splice consensus sequence. It has been identified in 1.4% (167/11532) of Latino chromosomes by the Exome Aggregation Consortium (ExAC; dbSNP rs1005074).

GeneDx
Classification: Benign. Last evaluated: 2014-09-17. Review status: criteria provided, single submitter. Criteria: GeneDx Variant Classification (06012015). Collection method: clinical testing. Allele origin: germline. Affected: yes.
Comment: This variant is considered likely benign or benign based on one or more of the following criteria: it is a conservative change, it occurs at a poorly conserved position in the protein, it is predicted to be benign by multiple in silico algorithms, and/or has population frequency not consistent with disease.

NM_000138.5(FBN1):c.7098C>T (p.Asp2366=)

Gene: FBN1 (fibrillin 1; minus strand). Cytogenetic location: 15q21.1.
Variant type: single nucleotide variant.
Coding change: c.7098C>T on transcript NM_000138.5 (MANE Select); coding-DNA position 7098, C replaced by T.
Protein change: p.Asp2366=; no amino-acid change (aspartic acid 2366 retained).
Molecular consequence: synonymous variant.
Genome position (GRCh38, 1-based): chr15:48,427,673, G>A on the plus strand (C>T on the coding strand, the complement: FBN1 is on the minus strand). VCF-style: chr15-48427673-G-A. GRCh37 (hg19) VCF-style: chr15-48719870-G-A.
Other names: p.D2366D:GAC>GAT; p.Asp2366=.
Identifiers: ClinVar variation 199952 (VCV000199952.62), dbSNP rs1005074, ClinGen allele CA017012.
Genomic context (GRCh38, chr15:48,427,673, plus strand): 5'-GAAAGCCACAGTCCCCTGGAAAGGGCAGATCTCACAGTGGGGACCCCAGCCTCTCCCTCC[G>A]TCACAGCAGCATTCCGATTTGGTGACGGGGTTCCTGTTGCTGGAGCCGATCTGACACATG-3'
Protein context (NP_000129.3, residues 2356-2376): NPVTKSECCC[Asp2366=]GGRGWGPHCE